The following is an entry in ClinVar:

NM_000038.6(APC):c.5603ATG[3] (p.Asp1871del)

Gene: APC (APC regulator of Wnt signaling pathway; plus strand). Cytogenetic location: 5q22.2.
Variant type: Microsatellite.
Coding change: c.5603ATG[3] on transcript NM_000038.6 (MANE Select); three copies in a row of the 3-base unit ATG starting at c.5603; the reference has four copies in a row; one copy, 3 bases deleted; also written c.5612_5614del.
Protein change: p.Asp1871del; deletes aspartic acid 1871.
Molecular consequence: inframe deletion.
Genome position (GRCh38, 1-based): chr5:112,841,206-112,841,208, ATG deleted; deleting any 3 consecutive bases within chr5:112,841,195-112,841,208 gives the same sequence; the position shown is the placement nearest the transcript's 3' end. VCF-style (leftmost placement, unchanged base first): chr5-112841194-TTGA-T. GRCh37 (hg19) VCF-style: chr5-112176891-TTGA-T.
Other names: c.5603ATG[3], p.Asp1871del (NM_001127510.3, NM_001354895.2); c.5549ATG[3], p.Asp1853del (NM_001127511.3); c.5657ATG[3], p.Asp1889del (NM_001354896.2); c.5633ATG[3], p.Asp1881del (NM_001354897.2); c.5528ATG[3], p.Asp1846del (NM_001354898.2); c.5519ATG[3], p.Asp1843del (NM_001354899.2); c.5480ATG[3], p.Asp1830del (NM_001354900.2); c.5426ATG[3], p.Asp1812del (NM_001354901.2); and 6 more; short protein forms D1853del, D1871del, D1588del, D1770del, D1711del, D1745del, D1846del, D1889del.
Identifiers: ClinVar variation 572198 (VCV000572198.15), dbSNP rs779014936, ClinGen allele CA562217609.

ClinVar aggregate classification (germline): Uncertain significance. Review status: criteria provided, multiple submitters, no conflicts (2 of 4 stars). 3 submissions from 3 submitters: Uncertain significance (3). Last evaluated 2025-08-15.

Conditions:
Hereditary cancer-predisposing syndrome. Also called: Hereditary neoplastic syndrome; Tumor predisposition; Neoplastic Syndromes, Hereditary; Hereditary Cancer Syndrome. Identifiers: Orphanet 140162, MedGen C0027672, MeSH D009386, MONDO:0015356.
Familial adenomatous polyposis 1 (FAP1). Also called: POLYPOSIS, ADENOMATOUS INTESTINAL; FAMILIAL ADENOMATOUS POLYPOSIS 1, ATTENUATED. Identifiers: MedGen C2713442, MONDO:0021056, OMIM 175100. Disease mechanism: loss of function.

Submissions (3):

Labcorp Genetics (formerly Invitae), Labcorp
Classification: Uncertain significance for Familial adenomatous polyposis 1. Last evaluated: 2025-08-15. Review status: criteria provided, single submitter. Criteria: Invitae Variant Classification Sherloc (09022015). Collection method: clinical testing. Allele origin: germline.
Comment: This variant, c.5612_5614del, results in the deletion of 1 amino acid(s) of the APC protein (p.Asp1871del), but otherwise preserves the integrity of the reading frame. This variant is not present in population databases (gnomAD no frequency). This variant has not been reported in the literature in individuals affected with APC-related conditions. ClinVar contains an entry for this variant (Variation ID: 572198). Experimental studies and prediction algorithms are not available or were not evaluated, and the functional significance of this variant is currently unknown. In summary, the available evidence is currently insufficient to determine the role of this variant in disease. Therefore, it has been classified as a Variant of Uncertain Significance.

Ambry Genetics
Classification: Uncertain significance for Hereditary cancer-predisposing syndrome. Last evaluated: 2024-07-09. Review status: criteria provided, single submitter. Criteria: Ambry Variant Classification Scheme 2023. Collection method: clinical testing. Allele origin: germline.
Comment: The c.5612_5614delATG variant (also known as p.D1871del) is located in coding exon 15 of the APC gene. This variant results from an in-frame ATG deletion at nucleotide positions 5612 to 5614. This results in the in-frame deletion of an aspartic acid at codon 1871. This amino acid position is highly conserved in available vertebrate species. In addition, this alteration is predicted to be neutral by in silico analysis (Choi Y et al. PLoS ONE. 2012; 7(10):e46688). Since supporting evidence is limited at this time, the clinical significance of this alteration remains unclear.

Color Diagnostics, LLC DBA Color Health
Classification: Uncertain significance for Hereditary cancer-predisposing syndrome. Last evaluated: 2023-05-05. Review status: criteria provided, single submitter. Criteria: ACMG Guidelines, 2015. Collection method: clinical testing. Allele origin: germline.
Comment: This variant causes an in-frame deletion of 1 amino acid of the APC protein. To our knowledge, functional studies have not been reported for this variant. This variant has not been reported in individuals affected with APC-related disorders in the literature. This variant has not been identified in the general population by the Genome Aggregation Database (gnomAD). The available evidence is insufficient to determine the role of this variant in disease conclusively. Therefore, this variant is classified as a Variant of Uncertain Significance.